The following is an entry in ClinVar:

ClinVar aggregate classification (germline): Uncertain significance (1 of 4 stars; one submission).

Allele frequency attached by ClinVar (database versions not stated): TOPMed below 0.00001; gnomAD 0.00001; gnomAD exomes 0.00001.
gnomAD v4.1: 8 of 1,613,424 alleles (0.0005%); highest among the groups gnomAD compares: Non-Finnish European, 0.00068%; no homozygotes.

Submission:

Labcorp Genetics (formerly Invitae), Labcorp
Classification: Uncertain significance. Last evaluated: 2023-07-31. Review status: criteria provided, single submitter. Criteria: Invitae Variant Classification Sherloc (09022015). Collection method: clinical testing. Allele origin: germline.
Comment: This variant has not been reported in the literature in individuals affected with CACNA1E-related conditions. This variant is present in population databases (no rsID available, gnomAD 0.0009%). This sequence change replaces isoleucine, which is neutral and non-polar, with valine, which is neutral and non-polar, at codon 1707 of the CACNA1E protein (p.Ile1707Val). Advanced modeling of protein sequence and biophysical properties (such as structural, functional, and spatial information, amino acid conservation, physicochemical variation, residue mobility, and thermodynamic stability) has been performed at Invitae for this missense variant, however the output from this modeling did not meet the statistical confidence thresholds required to predict the impact of this variant on CACNA1E protein function. In summary, the available evidence is currently insufficient to determine the role of this variant in disease. Therefore, it has been classified as a Variant of Uncertain Significance.

NM_001205293.3(CACNA1E):c.5119A>G (p.Ile1707Val)

Gene: CACNA1E (calcium voltage-gated channel subunit alpha1 E; plus strand). Cytogenetic location: 1q25.3.
Variant type: single nucleotide variant.
Coding change: c.5119A>G on transcript NM_001205293.3 (MANE Select); coding-DNA position 5119, A replaced by G.
Protein change: p.Ile1707Val; replaces isoleucine 1707 with valine.
Molecular consequence: missense variant.
Genome position (GRCh38, 1-based): chr1:181,772,211, A>G. VCF-style: chr1-181772211-A-G. GRCh37 (hg19) VCF-style: chr1-181741347-A-G.
Other names: c.5119A>G, p.Ile1707Val (NM_000721.4); c.5062A>G, p.Ile1688Val (NM_001205294.2); short protein forms I1688V, I1707V.
Identifiers: ClinVar variation 2787506 (VCV002787506.3), dbSNP rs1231030631, ClinGen allele CA343628279.